The following is an entry in ClinVar:

ClinVar aggregate classification (germline): Uncertain significance. Review status: criteria provided, multiple submitters, no conflicts (2 of 4 stars). 2 submissions from 2 submitters: Uncertain significance (2). Last evaluated 2024-08-12.

Conditions:
Hereditary pancreatitis (PCTT). Also called: Hereditary chronic pancreatitis; PRSS1-Related Hereditary Pancreatitis. Identifiers: Orphanet 676, MedGen C0238339, MONDO:0008185, OMIM 167800.

Allele frequency attached by ClinVar (database versions not stated): ExAC 0.00001; gnomAD exomes 0.00002.
gnomAD v4.1: 24 of 1,592,616 alleles (0.0015%); highest among the groups gnomAD compares: East Asian, 0.054%; no homozygotes.

Submissions (2):

Labcorp Genetics (formerly Invitae), Labcorp
Classification: Uncertain significance for Hereditary pancreatitis. Last evaluated: 2024-08-12. Review status: criteria provided, single submitter. Criteria: Invitae Variant Classification Sherloc (09022015). Collection method: clinical testing. Allele origin: germline.
Comment: This sequence change replaces threonine, which is neutral and polar, with asparagine, which is neutral and polar, at codon 147 of the PRSS1 protein (p.Thr147Asn). The frequency data for this variant in the population databases is considered unreliable, as metrics indicate poor data quality at this position in the gnomAD database. This variant has not been reported in the literature in individuals affected with PRSS1-related conditions. ClinVar contains an entry for this variant (Variation ID: 1740376). Advanced modeling of protein sequence and biophysical properties (such as structural, functional, and spatial information, amino acid conservation, physicochemical variation, residue mobility, and thermodynamic stability) performed at Invitae indicates that this missense variant is not expected to disrupt PRSS1 protein function with a negative predictive value of 80%. In summary, the available evidence is currently insufficient to determine the role of this variant in disease. Therefore, it has been classified as a Variant of Uncertain Significance.

Ambry Genetics
Classification: Uncertain significance for Hereditary pancreatitis. Last evaluated: 2023-08-25. Review status: criteria provided, single submitter. Criteria: Ambry Variant Classification Scheme 2023. Collection method: clinical testing. Allele origin: germline.
Comment: The p.T147N variant (also known as c.440C>A), located in coding exon 3 of the PRSS1 gene, results from a C to A substitution at nucleotide position 440. The threonine at codon 147 is replaced by asparagine, an amino acid with similar properties. This amino acid position is conserved. In addition, the in silico prediction for this alteration is inconclusive. Since supporting evidence is limited at this time, the clinical significance of this alteration remains unclear.

NM_002769.5(PRSS1):c.440C>A (p.Thr147Asn)

Genes: TRB (T cell receptor beta locus; plus strand), PRSS1 (serine protease 1; plus strand). Cytogenetic location: 7q34.
Variant type: single nucleotide variant.
Coding change: c.440C>A on transcript NM_002769.5 (MANE Select); coding-DNA position 440, C replaced by A.
Protein change: p.Thr147Asn; replaces threonine 147 with asparagine.
Molecular consequence: missense variant. On other transcripts: non-coding transcript variant (5).
Genome position (GRCh38, 1-based): chr7:142,752,013, C>A. VCF-style: chr7-142752013-C-A. GRCh37 (hg19) VCF-style: chr7-142459864-C-A.
Other names: short protein forms T147N.
Identifiers: ClinVar variation 1740376 (VCV001740376.8), dbSNP rs769724683, ClinGen allele CA4529967.